The following is an entry in ClinVar:

ClinVar aggregate classification (germline): Likely benign. Review status: criteria provided, multiple submitters, no conflicts (2 of 4 stars). 2 submissions from 2 submitters: Likely benign (2). Last evaluated 2025-05-08.

Allele frequency attached by ClinVar (database versions not stated): gnomAD exomes below 0.00001.
gnomAD v4.1: 1 of 1,598,256 alleles (0.000063%); highest among the groups gnomAD compares: Non-Finnish European, 0.000085%; no homozygotes.

Submissions (2):

Labcorp Genetics (formerly Invitae), Labcorp
Classification: Likely benign. Last evaluated: 2025-05-08. Review status: criteria provided, single submitter. Criteria: Invitae Variant Classification Sherloc (09022015). Collection method: clinical testing. Allele origin: germline.

GeneDx
Classification: Likely benign. Last evaluated: 2018-01-04. Review status: criteria provided, single submitter. Criteria: GeneDx Variant Classification (06012015). Collection method: clinical testing. Allele origin: germline. Affected: yes.
Comment: This variant is considered likely benign or benign based on one or more of the following criteria: it is a conservative change, it occurs at a poorly conserved position in the protein, it is predicted to be benign by multiple in silico algorithms, and/or has population frequency not consistent with disease.

NM_001852.4(COL9A2):c.417+7C>T

Gene: COL9A2 (collagen type IX alpha 2 chain; minus strand). Cytogenetic location: 1p34.2.
Variant type: single nucleotide variant.
Coding change: c.417+7C>T on transcript NM_001852.4 (MANE Select); 7 bases into the intron after coding-DNA position 417, C replaced by T.
Molecular consequence: intron variant.
Genome position (GRCh38, 1-based): chr1:40,312,052, G>A on the plus strand (C>T on the coding strand, the complement: COL9A2 is on the minus strand). VCF-style: chr1-40312052-G-A. GRCh37 (hg19) VCF-style: chr1-40777724-G-A.
Identifiers: ClinVar variation 514286 (VCV000514286.2), dbSNP rs1553184232, ClinGen allele CA658795432.